The following is an entry in ClinVar:

NM_000246.4(CIITA):c.52+9G>A

Genes: CIITA (class II major histocompatibility complex transactivator; plus strand), LOC130058443 (ATAC-STARR-seq lymphoblastoid active region 10394; plus strand). Cytogenetic location: 16p13.13.
Variant type: single nucleotide variant.
Coding change: c.52+9G>A on transcript NM_000246.4 (MANE Select); 9 bases into the intron after coding-DNA position 52, G replaced by A.
Molecular consequence: intron variant.
Genome position (GRCh38, 1-based): chr16:10,877,391, G>A. VCF-style: chr16-10877391-G-A. GRCh37 (hg19) VCF-style: chr16-10971248-G-A.
Other names: c.52+9G>A (NM_001286402.1, NM_001379332.1, NM_001379330.1 and 3 more transcripts).
Identifiers: ClinVar variation 103010 (VCV000103010.13), dbSNP rs199476060, ClinGen allele CA229988.

ClinVar aggregate classification (germline): Likely benign. Review status: criteria provided, single submitter (1 of 4 stars). 2 submissions from 2 submitters: Likely benign (1). 1 of the submissions does not count toward it. Last evaluated 2025-11-18.

Conditions:
MHC class II deficiency. Also called: Bare lymphocyte syndrome 2; BLS, TYPE II. Identifiers: Orphanet 572, MedGen C5447452, MONDO:0008855.

Allele frequency attached by ClinVar (database versions not stated): gnomAD 0.00003 and 0.00001; 1000 Genomes Project 0.00020; TOPMed 0.00002; 1000 Genomes Project 30x 0.00016.

Submissions (2):

Labcorp Genetics (formerly Invitae), Labcorp
Classification: Likely benign for MHC class II deficiency. Last evaluated: 2025-11-18. Review status: criteria provided, single submitter. Criteria: Invitae Variant Classification Sherloc (09022015). Collection method: clinical testing. Allele origin: germline.

Human Evolutionary Genetics, Institut Pasteur
No classification provided. Review status: no classification provided. Collection method: not provided. Allele origin: germline. Not counted in ClinVar's aggregate classification.
ClinVar note: Converted during submission from untested to not provided.